The following is an entry in ClinVar:

NM_020975.6(RET):c.2152G>A (p.Glu718Lys)

Gene: RET (ret proto-oncogene; plus strand). Cytogenetic location: 10q11.21.
Variant type: single nucleotide variant.
Coding change: c.2152G>A on transcript NM_020975.6 (MANE Select); coding-DNA position 2152, G replaced by A.
Protein change: p.Glu718Lys; replaces glutamic acid 718 with lysine.
Molecular consequence: missense variant.
Genome position (GRCh38, 1-based): chr10:43,116,599, G>A. VCF-style: chr10-43116599-G-A. GRCh37 (hg19) VCF-style: chr10-43612047-G-A.
Other names: c.1426G>A, p.Glu476Lys (NM_001406776.1, NM_001406777.1, NM_001406778.1 and 1 more transcripts); c.1255G>A, p.Glu419Lys (NM_001406779.1, NM_001406780.1, NM_001406781.1 and 1 more transcripts); c.1126G>A, p.Glu376Lys (NM_001406783.1, NM_001406786.1); c.1162G>A, p.Glu388Lys (NM_001406784.1); c.1135G>A, p.Glu379Lys (NM_001406785.1); c.2152G>A, p.Glu718Lys (NM_020630.7, NM_001406743.1, NM_001406744.1 and 2 more transcripts); c.1390G>A, p.Glu464Lys (NM_001355216.2); c.2023G>A, p.Glu675Lys (NM_001406761.1, NM_001406762.1, NM_001406764.1); and 10 more; short protein forms E586K, E673K, E675K, E379K, E464K, E476K, E374K, E388K.
Identifiers: ClinVar variation 4152826 (VCV004152826.2).

ClinVar aggregate classification (germline): Uncertain significance (1 of 4 stars; one submission).

Conditions:
Hereditary cancer-predisposing syndrome. Also called: Neoplastic Syndromes, Hereditary; Tumor predisposition; Hereditary Cancer Syndrome; Hereditary neoplastic syndrome. Identifiers: Orphanet 140162, MedGen C0027672, MeSH D009386, MONDO:0015356.

Submission:

Ambry Genetics
Classification: Uncertain significance for Hereditary cancer-predisposing syndrome. Last evaluated: 2026-09-11. Review status: criteria provided, single submitter. Criteria: Ambry Variant Classification Scheme 2023. Collection method: clinical testing. Allele origin: germline.
Comment: The p.E718K variant (also known as c.2152G>A), located in coding exon 12 of the RET gene, results from a G to A substitution at nucleotide position 2152. The glutamic acid at codon 718 is replaced by lysine, an amino acid with similar properties. This amino acid position is conserved. In addition, this alteration is predicted to be deleterious by in silico analysis. Based on the available evidence, the clinical significance of this variant remains unclear.